The following is an entry in ClinVar:

NM_015629.4(PRPF31):c.856G>C (p.Asp286His)

Gene: PRPF31 (pre-mRNA processing factor 31; plus strand). Cytogenetic location: 19q13.42.
Variant type: single nucleotide variant.
Coding change: c.856G>C on transcript NM_015629.4 (MANE Select); coding-DNA position 856, G replaced by C.
Protein change: p.Asp286His; replaces aspartic acid 286 with histidine.
Molecular consequence: missense variant.
Genome position (GRCh38, 1-based): chr19:54,126,528, G>C. VCF-style: chr19-54126528-G-C. GRCh37 (hg19) VCF-style: chr19-54629903-G-C.
Other names: short protein forms D286H.
Identifiers: ClinVar variation 2819286 (VCV002819286.4), dbSNP rs1366556247, ClinGen allele CA407751776.

ClinVar aggregate classification (germline): Uncertain significance. Review status: criteria provided, multiple submitters, no conflicts (2 of 4 stars). 2 submissions from 2 submitters: Uncertain significance (2). Last evaluated 2022-12-07.

Allele frequency attached by ClinVar (database versions not stated): gnomAD 0.00001; TOPMed 0.00001; gnomAD exomes 0.00002.
gnomAD v4.1: 12 of 1,612,906 alleles (0.00074%); highest among the groups gnomAD compares: Non-Finnish European, 0.001%; no homozygotes.

Submissions (2):

Labcorp Genetics (formerly Invitae), Labcorp
Classification: Uncertain significance. Last evaluated: 2022-12-07. Review status: criteria provided, single submitter. Criteria: Invitae Variant Classification Sherloc (09022015). Collection method: clinical testing. Allele origin: germline.
Comment: In summary, the available evidence is currently insufficient to determine the role of this variant in disease. Therefore, it has been classified as a Variant of Uncertain Significance. Algorithms developed to predict the effect of missense changes on protein structure and function are either unavailable or do not agree on the potential impact of this missense change (SIFT: "Deleterious"; PolyPhen-2: "Probably Damaging"; Align-GVGD: "Class C15"). This variant has not been reported in the literature in individuals affected with PRPF31-related conditions. This variant is present in population databases (no rsID available, gnomAD 0.002%). This sequence change replaces aspartic acid, which is acidic and polar, with histidine, which is basic and polar, at codon 286 of the PRPF31 protein (p.Asp286His).

Blueprint Genetics
Classification: Uncertain significance. Last evaluated: 2021-12-10. Review status: criteria provided, single submitter. Criteria: ACMG Guidelines, 2015. Collection method: clinical testing. Allele origin: germline.